The following is an entry in ClinVar:

ClinVar aggregate classification (germline): Uncertain significance (1 of 4 stars; one submission).

Submission:

Labcorp Genetics (formerly Invitae), Labcorp
Classification: Uncertain significance. Last evaluated: 2024-11-28. Review status: criteria provided, single submitter. Criteria: Invitae Variant Classification Sherloc (09022015). Collection method: clinical testing. Allele origin: germline.
Comment: This sequence change creates a premature translational stop signal (p.Glu528*) in the RFWD3 gene. It is expected to result in an absent or disrupted protein product. However, the current clinical and genetic evidence is not sufficient to establish whether loss-of-function variants in RFWD3 cause disease. This variant is not present in population databases (gnomAD no frequency). This variant has not been reported in the literature in individuals affected with RFWD3-related conditions. In summary, the available evidence is currently insufficient to determine the role of this variant in disease. Therefore, it has been classified as a Variant of Uncertain Significance.

NM_018124.4(RFWD3):c.1582G>T (p.Glu528Ter)

Gene: RFWD3 (ring finger and WD repeat domain 3; minus strand). Cytogenetic location: 16q23.1.
Variant type: single nucleotide variant.
Coding change: c.1582G>T on transcript NM_018124.4 (MANE Select); coding-DNA position 1582, G replaced by T.
Protein change: p.Glu528Ter; replaces glutamic acid 528 with a stop codon.
Molecular consequence: nonsense. On other transcripts: intron variant (1).
Genome position (GRCh38, 1-based): chr16:74,630,953, C>A on the plus strand (G>T on the coding strand, the complement: RFWD3 is on the minus strand). VCF-style: chr16-74630953-C-A. GRCh37 (hg19) VCF-style: chr16-74664851-C-A.
Other names: c.1582G>T, p.Glu528Ter (NM_001370534.1, NM_001370535.1); c.748G>T, p.Glu250Ter (NM_001370537.1, NM_001370539.1, NM_001370540.1 and 2 more transcripts); c.1577+1570G>T (NM_001370536.1); short protein forms E250*, E528*.
Identifiers: ClinVar variation 3726301 (VCV003726301.2).